The following is an entry in ClinVar:

ClinVar aggregate classification (germline): Likely benign. Review status: criteria provided, multiple submitters, no conflicts (2 of 4 stars). 2 submissions from 2 submitters: Likely benign (2). Last evaluated 2025-07-09.

Conditions:
CEP290-related disorder. Also called: CEP290-related condition; CEP290-related disorders. Identifiers: MedGen CN239314.
Meckel-Gruber syndrome. Also called: DYSENCEPHALIA SPLANCHNOCYSTICA; Dysencephalia splachnocystica; GRUBER SYNDROME. Identifiers: Orphanet 564, MedGen C0265215, MONDO:0018921.
Joubert syndrome. Also called: Familial aplasia of the vermis; JOUBERT-BOLTSHAUSER SYNDROME. Identifiers: Orphanet 475, MedGen C5979921, MONDO:0018772.
Nephronophthisis. Also called: Juvenile Nephronophthisis. Identifiers: Orphanet 655, MedGen C0687120, MONDO:0019005, HP:0000090.

Allele frequency attached by ClinVar (database versions not stated): gnomAD exomes below 0.00001; TOPMed 0.00001; gnomAD 0.00002 and 0.00003.
gnomAD v4.1: 6 of 962,688 alleles (0.00062%); highest among the groups gnomAD compares: African/African-American, 0.0086%; no homozygotes.

Submissions (2):

Labcorp Genetics (formerly Invitae), Labcorp
Classification: Likely benign for Joubert syndrome; Meckel-Gruber syndrome; Nephronophthisis. Last evaluated: 2025-07-09. Review status: criteria provided, single submitter. Criteria: Invitae Variant Classification Sherloc (09022015). Collection method: clinical testing. Allele origin: germline.

PreventionGenetics, part of Exact Sciences
Classification: Likely benign for CEP290-related condition. Last evaluated: 2025-03-20. Review status: criteria provided, single submitter. Criteria: ACMG Guidelines, 2015. Collection method: clinical testing. Allele origin: germline.
Comment: This variant is classified as likely benign based on ACMG/AMP sequence variant interpretation guidelines (Richards et al. 2015 PMID: 25741868, with internal and published modifications).

NM_025114.4(CEP290):c.2368-7T>C

Gene: CEP290 (centrosomal protein 290; minus strand). Cytogenetic location: 12q21.32.
Variant type: single nucleotide variant.
Coding change: c.2368-7T>C on transcript NM_025114.4 (MANE Select); 7 bases into the intron before coding-DNA position 2368, T replaced by C.
Molecular consequence: intron variant.
Genome position (GRCh38, 1-based): chr12:88,109,188, A>G on the plus strand (T>C on the coding strand, the complement: CEP290 is on the minus strand). VCF-style: chr12-88109188-A-G. GRCh37 (hg19) VCF-style: chr12-88502965-A-G.
Other names: c.2368-7T>C (NM_025114.3).
Identifiers: ClinVar variation 1110541 (VCV001110541.10), dbSNP rs1470044444, ClinGen allele CA606444520.